The following is an entry in ClinVar:

ClinVar aggregate classification (germline): Uncertain significance. Review status: criteria provided, multiple submitters, no conflicts (2 of 4 stars). 2 submissions from 2 submitters: Uncertain significance (2). Last evaluated 2023-01-26.

Conditions:
Hyperphosphatasia with intellectual disability syndrome 5 (GPIBD11). Also called: GLYCOSYLPHOSPHATIDYLINOSITOL BIOSYNTHESIS DEFECT 11. Identifiers: Orphanet 247262, MedGen C4014958, MONDO:0014457, OMIM 616025.
Inborn genetic diseases. Identifiers: MedGen C0950123, MeSH D030342.

Allele frequency attached by ClinVar (database versions not stated): gnomAD 0.00001; gnomAD exomes 0.00001; ExAC 0.00002.
gnomAD v4.1: 5 of 1,613,986 alleles (0.00031%); highest among the groups gnomAD compares: African/African-American, 0.004%; no homozygotes.

Submissions (2):

Ambry Genetics
Classification: Uncertain significance for Inborn genetic diseases. Last evaluated: 2023-01-26. Review status: criteria provided, single submitter. Criteria: Ambry Variant Classification Scheme 2023. Collection method: clinical testing. Allele origin: germline.

Labcorp Genetics (formerly Invitae), Labcorp
Classification: Uncertain significance for Hyperphosphatasia with intellectual disability syndrome 5. Last evaluated: 2022-07-08. Review status: criteria provided, single submitter. Criteria: Invitae Variant Classification Sherloc (09022015). Collection method: clinical testing. Allele origin: germline.
Comment: This sequence change replaces asparagine, which is neutral and polar, with serine, which is neutral and polar, at codon 259 of the PIGW protein (p.Asn259Ser). This variant is present in population databases (rs768798408, gnomAD 0.007%). This variant has not been reported in the literature in individuals affected with PIGW-related conditions. Algorithms developed to predict the effect of missense changes on protein structure and function (SIFT, PolyPhen-2, Align-GVGD) all suggest that this variant is likely to be tolerated. In summary, the available evidence is currently insufficient to determine the role of this variant in disease. Therefore, it has been classified as a Variant of Uncertain Significance.

NM_001346754.2(PIGW):c.776A>G (p.Asn259Ser)

Genes: MYO19 (myosin XIX; minus strand), PIGW (phosphatidylinositol glycan anchor biosynthesis class W; plus strand). Cytogenetic location: 17q12.
Variant type: single nucleotide variant.
Coding change: c.776A>G on transcript NM_001346754.2 (MANE Select); coding-DNA position 776, A replaced by G.
Protein change: p.Asn259Ser; replaces asparagine 259 with serine.
Molecular consequence: missense variant.
Genome position (GRCh38, 1-based): chr17:36,537,877, A>G. VCF-style: chr17-36537877-A-G. GRCh37 (hg19) VCF-style: chr17-34893726-A-G.
Other names: c.776A>G, p.Asn259Ser (NM_001346755.2, NM_178517.5); c.776A>G (NM_178517.3); short protein forms N259S.
Identifiers: ClinVar variation 2185395 (VCV002185395.3), dbSNP rs768798408, ClinGen allele CA290116242.